The following is an entry in ClinVar:

NM_000019.4(ACAT1):c.1124A>G (p.Asn375Ser)

Gene: ACAT1 (acetyl-CoA acetyltransferase 1; plus strand). Cytogenetic location: 11q22.3.
Variant type: single nucleotide variant.
Coding change: c.1124A>G on transcript NM_000019.4 (MANE Select); coding-DNA position 1124, A replaced by G.
Protein change: p.Asn375Ser; replaces asparagine 375 with serine.
Molecular consequence: missense variant.
Genome position (GRCh38, 1-based): chr11:108,146,320, A>G. VCF-style: chr11-108146320-A-G. GRCh37 (hg19) VCF-style: chr11-108017047-A-G.
Other names: short protein forms N375S.
Identifiers: ClinVar variation 666528 (VCV000666528.21), dbSNP rs373771053, ClinGen allele CA6263368.
Genomic context (GRCh38, chr11:108,146,320, plus strand): 5'-CCTTTAGTCTGGTTGTACTAGCAAACATTAAAATGTTGGAGATTGATCCCCAAAAAGTGA[A>G]TATCAATGGAGGAGCTGTTTCTCTGGGACATCCAATTGGGTAGGTAAAAATAATAACTAT-3'
Protein context (NP_000010.1, residues 365-385): KMLEIDPQKV[Asn375Ser]INGGAVSLGH

ClinVar aggregate classification (germline): Pathogenic/Likely pathogenic. Review status: criteria provided, multiple submitters, no conflicts (2 of 4 stars). 8 submissions from 8 submitters: Pathogenic (5); Likely pathogenic (2). 1 of the submissions does not count toward it. Last evaluated 2026-01-15.

Conditions:
ACAT1-related disorder. Also called: ACAT1-related condition.
Deficiency of acetyl-CoA acetyltransferase. Also called: MITOCHONDRIAL ACETOACETYL-CoA THIOLASE DEFICIENCY; Beta-ketothiolase deficiency; 3-KETOTHIOLASE DEFICIENCY; 3-OXOTHIOLASE DEFICIENCY. Identifiers: Orphanet 134, MedGen C1536500, MONDO:0008760, OMIM 203750. Disease mechanism: loss of function.

Allele frequency attached by ClinVar (database versions not stated): TOPMed below 0.00001; gnomAD exomes 0.00001 and 0.00003; gnomAD 0.00002; ExAC 0.00003; ESP Exome Variant Server 0.00008.
gnomAD v4.1: 20 of 1,613,956 alleles (0.0012%); highest among the groups gnomAD compares: Admixed American, 0.005%; no homozygotes.

Submissions (8):

Natera, Inc.
Classification: Pathogenic for Alpha-methylacetoacetic aciduria. Last evaluated: 2026-01-15. Review status: criteria provided, single submitter. Criteria: Natera Variant Classification Schema (03/2026). Collection method: clinical testing. Allele origin: germline.
Comment: The c.1124A>G variant in ACAT1 is a missense variant predicted to cause substitution of asparagine to serine at amino acid 375. This variant is rare in the general population with a frequency below the threshold expected for the associated phenotype(s). This variant has been observed in one or more individuals affected with the associated recessive disease, as either homozygous or compound heterozygous with a second variant (PMID: 34001203, 27928777). Given the available evidence, this variant is classified as Pathogenic.

Labcorp Genetics (formerly Invitae), Labcorp
Classification: Pathogenic for Deficiency of acetyl-CoA acetyltransferase. Last evaluated: 2025-12-08. Review status: criteria provided, single submitter. Criteria: Invitae Variant Classification Sherloc (09022015). Collection method: clinical testing. Allele origin: germline.
Comment: This sequence change replaces asparagine, which is neutral and polar, with serine, which is neutral and polar, at codon 375 of the ACAT1 protein (p.Asn375Ser). RNA analysis indicates that this missense change induces altered splicing and likely disrupts the C-terminus of the protein. This variant is present in population databases (rs373771053, gnomAD 0.009%). This missense change has been observed in individual(s) with beta-ketothiolase deficiency (PMID: 18511318, 27928777, 30835345). In at least one individual the data is consistent with being in trans (on the opposite chromosome) from a pathogenic variant. ClinVar contains an entry for this variant (Variation ID: 666528). Invitae Evidence Modeling of protein sequence and biophysical properties (such as structural, functional, and spatial information, amino acid conservation, physicochemical variation, residue mobility, and thermodynamic stability) indicates that this missense variant is expected to disrupt ACAT1 protein function with a positive predictive value of 95%. Studies have shown that this missense change results in activation of a cryptic splice site and introduces a new termination codon (PMID: 18511318). However the mRNA is not expected to undergo nonsense-mediated decay. For these reasons, this variant has been classified as Pathogenic.

Fulgent Genetics
Classification: Likely pathogenic for Deficiency of acetyl-CoA acetyltransferase. Last evaluated: 2024-01-25. Review status: criteria provided, single submitter. Criteria: ACMG Guidelines, 2015. Collection method: clinical testing. Allele origin: germline.

PreventionGenetics, part of Exact Sciences
Classification: Pathogenic for ACAT1-related condition. Last evaluated: 2022-08-25. Review status: criteria provided, single submitter. Criteria: ACMG Guidelines, 2015. Collection method: clinical testing. Allele origin: germline.
Comment: The ACAT1 c.1124A>G variant is predicted to result in the amino acid substitution p.Asn375Ser. This variant has been reported in the homozygous state in at least two individuals with mitochondrial Acetoacetyl-CoA thiolase deficiency (Fukao et al 2008. PubMed ID: 18511318; Abdelkreem E et al 2017. PubMed ID: 27928777). Functional studies have shown that this variant activates a cryptic splice donor site 5 bases upstream from c.1124A>C within exon 11, causing aberrant splicing with a frameshift (Fukao et al. 2008. PubMed ID: 18511318). This variant is reported in 0.0087% of alleles in individuals of Latino descent in gnomAD. This variant is interpreted as pathogenic.

Department of Pediatrics, Gifu University
Classification: Pathogenic for Deficiency of acetyl-CoA acetyltransferase. Last evaluated: 2019-05-05. Review status: criteria provided, single submitter. Criteria: ACMG Guidelines, 2015. Collection method: research. Allele origin: germline. Affected: yes. Observed: 2 variant alleles.

Intergen Genetics and Rare Diseases Diagnosis Center
Classification: Pathogenic for Deficiency of acetyl-CoA acetyltransferase. Review status: criteria provided, single submitter. Criteria: ACMG Guidelines, 2015. Collection method: clinical testing. Allele origin: germline. Inheritance: Autosomal recessive inheritance. Affected: yes. Observed: 1 homozygote.
Comment: The patient’s clinical features are consistent with the known phenotype associated with defects in this gene. ACMG Evidence Justification: PM3 (Very Strong): The variant is observed in a homozygous state in an affected individual with a recessive disorder. Additionally, prior ClinVar submissions (e.g., SCV001590397 and ClinVar ID 666528) have reported the same variant in trans with a pathogenic variant in affected individuals. PM1 (Moderate): The variant lies within a mutational hotspot/critical functional domain in exon 11. This region (chr11:108146223–108146359) contains multiple (n=11) pathogenic or likely pathogenic missense variants and no known benign missense variants. PM2 (Moderate): The variant is extremely rare in population databases with no homozygotes reported. The maximal allele frequency in gnomAD non-founder populations is 0.005%, well below the recommended threshold for this gene (0.13%). PP2 (Supporting): The gene has a low benign missense variant rate, and missense variants are a common pathogenic mechanism for this disorder. The gene harbors significantly more pathogenic missense variants (58) compared to benign missense variants (7). PP3 (Supporting): Multiple computational algorithms predict a deleterious effect (aggregated score: 0.869, within the pathogenic prediction range 0.8–0.9). Additional gene constraint data support intolerance to missense variation (gnomAD missense Z-score: >3.09, gene score: 0.90559). Based on the patient's phenotype, zygosity, population data, variant location, gene-level evidence, and computational predictions, this variant meets criteria for classification as Pathogenic.

Kasturba Medical College, Manipal, Kasturba Medical College, Manipal, Manipal Academy of Higher Education, Manipal, India
Classification: Likely pathogenic for Deficiency of acetyl-CoA acetyltransferase. Review status: criteria provided, single submitter. Criteria: ACMG Guidelines, 2015. Collection method: clinical testing. Allele origin: inherited. Affected: yes.

Neonatal Disease Screening Center, Medical Genetics Center, Huaihua City Maternal and Child Health Care Hospital
Classification: Pathogenic for Deficiency of acetyl-CoA acetyltransferase. Review status: no assertion criteria provided. Criteria: ACMG Guidelines, 2015. Collection method: clinical testing. Allele origin: germline. Affected: yes. Observed: 1 variant allele. Not counted in ClinVar's aggregate classification.
Comment: PS3+PM2_P+PM3_S+PP4

Literature cited by the submitters: PubMed 34001203 (cited by Natera, Inc.); PubMed 27928777 (cited by 3 submitters); PubMed 18511318 (cited by 3 submitters); PubMed 30835345 (cited by Labcorp Genetics (formerly Invitae), Labcorp and Intergen Genetics and Rare Diseases Diagnosis Center); PubMed 31268215 (cited by Department of Pediatrics, Gifu University).